The following is an entry in ClinVar:

NM_139315.3(TAF6):c.-59-118G>A

Gene: TAF6 (TATA-box binding protein associated factor 6; minus strand). Cytogenetic location: 7q22.1.
Variant type: single nucleotide variant.
Coding change: c.-59-118G>A on transcript NM_139315.3 (MANE Select); 118 bases into the intron before 59 bases upstream of the start codon, G replaced by A.
Molecular consequence: intron variant.
Genome position (GRCh38, 1-based): chr7:100,114,386, C>T on the plus strand (G>A on the coding strand, the complement: TAF6 is on the minus strand). VCF-style: chr7-100114386-C-T. GRCh37 (hg19) VCF-style: chr7-99712009-C-T.
Other names: c.53-118G>A (NM_001190415.2); c.-59-118G>A (NM_001365001.1, NM_001365000.1, NM_001365003.1 and 4 more transcripts); c.80-118G>A (NM_001365004.1).
Identifiers: ClinVar variation 2657738 (VCV002657738.24), dbSNP rs184947009, ClinGen allele CA4375856.
Genomic context (GRCh38, chr7:100,114,386, plus strand): 5'-CAACAAAGGGAGGACAGTGGAGACAGGGGAGGAACTCCGAGTGTCTTATGTCCATCCCCA[C>T]GTGAGTCAGCCCTGAGGTGTAACAGAGAAAGATACAAATCTGGGCTGGGGCCAGGTTCAG-3'

ClinVar aggregate classification (germline): Likely benign (1 of 4 stars; one submission).

Allele frequency attached by ClinVar (database versions not stated): TOPMed 0.00017; ExAC 0.00023; 1000 Genomes Project 30x 0.00031; 1000 Genomes Project 0.00040; gnomAD 0.00122.
gnomAD v4.1: 674 of 1,021,186 alleles (0.066%); highest among the groups gnomAD compares: African/African-American, 0.032%; no homozygotes.

Submission:

CeGaT Center for Human Genetics Tuebingen
Classification: Likely benign. Last evaluated: 2022-05-01. Review status: criteria provided, single submitter. Criteria: CeGaT Center For Human Genetics Tuebingen Variant Classification Criteria Version 2. Collection method: clinical testing. Allele origin: germline. Affected: yes. Observed: 1 variant allele.
Comment: TAF6: BP4